The following is an entry in ClinVar:

NM_020338.4(ZMIZ1):c.1826A>T (p.Gln609Leu)

Gene: ZMIZ1 (zinc finger MIZ-type containing 1; plus strand). Cytogenetic location: 10q22.3.
Variant type: single nucleotide variant.
Coding change: c.1826A>T on transcript NM_020338.4 (MANE Select); coding-DNA position 1826, A replaced by T.
Protein change: p.Gln609Leu; replaces glutamine 609 with leucine.
Molecular consequence: missense variant.
Genome position (GRCh38, 1-based): chr10:79,300,749, A>T. VCF-style: chr10-79300749-A-T. GRCh37 (hg19) VCF-style: chr10-81060506-A-T.
Other names: short protein forms Q609L.
Identifiers: ClinVar variation 4882489 (VCV004882489.2).

ClinVar aggregate classification (germline): Uncertain significance (1 of 4 stars; one submission).

Conditions:
Neurodevelopmental disorder with dysmorphic facies and distal skeletal anomalies. Identifiers: MedGen C5231448, MONDO:0032855, OMIM 618659.

Submission:

Dasa
Classification: Uncertain significance for Neurodevelopmental disorder with dysmorphic facies and distal skeletal anomalies. Last evaluated: 2025-07-01. Review status: criteria provided, single submitter. Criteria: DASA Assertion Criteria. Collection method: clinical testing. Allele origin: germline.
Comment: NM_020338.4(ZMIZ1):c.1826A>T (p.Gln609Leu) is a missense variant that results in the substitution of glutamine with leucine. This variant is absent from population databases. The currently available literature and clinical evidence are not sufficient to establish a definitive association between this variant and the reported condition. Therefore, this variant is classified as a variant of uncertain significance.